The following is an entry in ClinVar:

NM_018105.3(THAP1):c.58G>C (p.Val20Leu)

Gene: THAP1 (THAP domain containing 1; minus strand). Cytogenetic location: 8p11.21.
Variant type: single nucleotide variant.
Coding change: c.58G>C on transcript NM_018105.3 (MANE Select); coding-DNA position 58, G replaced by C.
Protein change: p.Val20Leu; replaces valine 20 with leucine.
Molecular consequence: missense variant.
Genome position (GRCh38, 1-based): chr8:42,843,037, C>G on the plus strand (G>C on the coding strand, the complement: THAP1 is on the minus strand). VCF-style: chr8-42843037-C-G. GRCh37 (hg19) VCF-style: chr8-42698180-C-G.
Other names: c.58G>C, p.Val20Leu (NM_199003.2); short protein forms V20L.
Identifiers: ClinVar variation 4686185 (VCV004686185.1).

ClinVar aggregate classification (germline): Uncertain significance (1 of 4 stars; one submission).

Submission:

GeneDx
Classification: Uncertain significance. Last evaluated: 2025-07-14. Review status: criteria provided, single submitter. Criteria: GeneDx Variant Classification Process June 2021. Collection method: clinical testing. Allele origin: germline. Affected: yes.
Comment: Not observed at significant frequency in large population cohorts (gnomAD); In silico analysis suggests that this missense variant does not alter protein structure/function; Has not been previously published as pathogenic or benign to our knowledge